The following is an entry in ClinVar:

ClinVar aggregate classification (germline): Uncertain significance (1 of 4 stars; one submission).

Submission:

Labcorp Genetics (formerly Invitae), Labcorp
Classification: Uncertain significance. Last evaluated: 2022-11-15. Review status: criteria provided, single submitter. Criteria: Invitae Variant Classification Sherloc (09022015). Collection method: clinical testing. Allele origin: germline.
Comment: In summary, the available evidence is currently insufficient to determine the role of this variant in disease. Therefore, it has been classified as a Variant of Uncertain Significance. Algorithms developed to predict the effect of missense changes on protein structure and function (SIFT, PolyPhen-2, Align-GVGD) all suggest that this variant is likely to be tolerated. This variant has not been reported in the literature in individuals affected with CACNA2D4-related conditions. This variant is not present in population databases (gnomAD no frequency). This sequence change replaces glutamine, which is neutral and polar, with lysine, which is basic and polar, at codon 48 of the CACNA2D4 protein (p.Gln48Lys).

NM_172364.5(CACNA2D4):c.142C>A (p.Gln48Lys)

Gene: CACNA2D4 (calcium voltage-gated channel auxiliary subunit alpha2delta 4; minus strand). Cytogenetic location: 12p13.33.
Variant type: single nucleotide variant.
Coding change: c.142C>A on transcript NM_172364.5 (MANE Select); coding-DNA position 142, C replaced by A.
Protein change: p.Gln48Lys; replaces glutamine 48 with lysine.
Molecular consequence: missense variant.
Genome position (GRCh38, 1-based): chr12:1,918,332, G>T on the plus strand (C>A on the coding strand, the complement: CACNA2D4 is on the minus strand). VCF-style: chr12-1918332-G-T. GRCh37 (hg19) VCF-style: chr12-2027498-G-T.
Other names: short protein forms Q48K.
Identifiers: ClinVar variation 2814614 (VCV002814614.3), dbSNP rs2497379324, ClinGen allele CA383366169.